The following is an entry in ClinVar:

NM_000095.3(COMP):c.218-15C>A

Gene: COMP (cartilage oligomeric matrix protein; minus strand). Cytogenetic location: 19p13.11.
Variant type: single nucleotide variant.
Coding change: c.218-15C>A on transcript NM_000095.3 (MANE Select); 15 bases into the intron before coding-DNA position 218, C replaced by A.
Molecular consequence: intron variant.
Genome position (GRCh38, 1-based): chr19:18,790,129, G>T on the plus strand (C>A on the coding strand, the complement: COMP is on the minus strand). VCF-style: chr19-18790129-G-T. GRCh37 (hg19) VCF-style: chr19-18900938-G-T.
Identifiers: ClinVar variation 497722 (VCV000497722.19), dbSNP rs542886784, ClinGen allele CA9316792.

ClinVar aggregate classification (germline): Conflicting classifications of pathogenicity. Review status: criteria provided, conflicting classifications (1 of 4 stars). 5 submissions from 4 submitters: Uncertain significance (1); Benign (2); Likely benign (2). Last evaluated 2026-01-06.

Conditions:
Pseudoachondroplastic spondyloepiphyseal dysplasia syndrome (PSACH). Also called: COMP-Related Pseudoachondroplasia; PSEUDOACHONDROPLASTIC DYSPLASIA; Pseudoachondroplasia. Identifiers: Orphanet 750, MedGen C0410538, MONDO:0008322, OMIM 177170.
Multiple epiphyseal dysplasia type 1. Also called: COMP-Related Multiple Epiphyseal Dysplasia. Identifiers: Orphanet 93308, MedGen C1838280, MONDO:0007561, OMIM 132400.

Allele frequency attached by ClinVar (database versions not stated): 1000 Genomes Project 0.00040; 1000 Genomes Project 30x 0.00141; gnomAD 0.00183 and 0.00199; TOPMed 0.00233.
gnomAD v4.1: 657 of 1,519,098 alleles (0.043%); highest among the groups gnomAD compares: African/African-American, 0.56%; 3 homozygotes.

Submissions (5):

Labcorp Genetics (formerly Invitae), Labcorp
Classification: Benign. Last evaluated: 2026-01-06. Review status: criteria provided, single submitter. Criteria: Invitae Variant Classification Sherloc (09022015). Collection method: clinical testing. Allele origin: germline.

Blueprint Genetics
Classification: Likely benign. Last evaluated: 2024-11-26. Review status: criteria provided, single submitter. Criteria: ACMG Guidelines, 2015. Collection method: clinical testing. Allele origin: germline.

Illumina Laboratory Services, Illumina
Classification: Likely benign for Multiple epiphyseal dysplasia type 1. Last evaluated: 2018-01-13. Review status: criteria provided, single submitter. Criteria: ICSL Variant Classification Criteria 13 December 2019. Collection method: clinical testing. Allele origin: germline.
Comment: This variant was observed in the ICSL laboratory as part of a predisposition screen in an ostensibly healthy population. It had not been previously curated by ICSL or reported in the Human Gene Mutation Database (HGMD: prior to June 1st, 2018), and was therefore a candidate for classification through an automated scoring system. Utilizing variant allele frequency, disease prevalence and penetrance estimates, and inheritance mode, an automated score was calculated to assess if this variant is too frequent to cause the disease. Based on the score and internal cut-off values, a variant classified as likely benign is not then subjected to further curation. The score for this variant resulted in a classification of likely benign for this disease.

Illumina Laboratory Services, Illumina
Classification: Benign for Pseudoachondroplastic spondyloepiphyseal dysplasia syndrome. Last evaluated: 2018-01-13. Review status: criteria provided, single submitter. Criteria: ICSL Variant Classification Criteria 13 December 2019. Collection method: clinical testing. Allele origin: germline.
Comment: This variant was observed in the ICSL laboratory as part of a predisposition screen in an ostensibly healthy population. It had not been previously curated by ICSL or reported in the Human Gene Mutation Database (HGMD: prior to June 1st, 2018), and was therefore a candidate for classification through an automated scoring system. Utilizing variant allele frequency, disease prevalence and penetrance estimates, and inheritance mode, an automated score was calculated to assess if this variant is too frequent to cause the disease. Based on the score and internal cut-off values, a variant classified as benign is not then subjected to further curation. The score for this variant resulted in a classification of benign for this disease.

Eurofins Ntd Llc (ga)
Classification: Uncertain significance. Last evaluated: 2016-10-04. Review status: criteria provided, single submitter. Criteria: EGL Classification Definitions 2015. Collection method: clinical testing. Allele origin: germline. Observed: 1 variant allele, 1 heterozygote.